The following is an entry in ClinVar:

NM_000487.6(ARSA):c.467G>A (p.Gly156Asp)

Gene: ARSA (arylsulfatase A; minus strand). Cytogenetic location: 22q13.33.
Variant type: single nucleotide variant.
Coding change: c.467G>A on transcript NM_000487.6 (MANE Select); coding-DNA position 467, G replaced by A.
Protein change: p.Gly156Asp; replaces glycine 156 with aspartic acid.
Molecular consequence: missense variant.
Genome position (GRCh38, 1-based): chr22:50,627,051, C>T on the plus strand (G>A on the coding strand, the complement: ARSA is on the minus strand). VCF-style: chr22-50627051-C-T. GRCh37 (hg19) VCF-style: chr22-51065479-C-T.
Other names: ARSA, GLY154ASP; c.467G>A, p.Gly156Asp (NM_001085425.3, NM_001085426.3, NM_001085427.3); c.209G>A, p.Gly70Asp (NM_001085428.3, NM_001362782.2); short protein forms G156D, G70D.
Identifiers: ClinVar variation 3066 (VCV000003066.11), dbSNP rs74315463, ClinGen allele CA278026.

ClinVar aggregate classification (germline): Likely pathogenic. Review status: criteria provided, multiple submitters, no conflicts (2 of 4 stars). 5 submissions from 5 submitters: Likely pathogenic (4). 1 of the submissions does not count toward it. Last evaluated 2025-03-20.

Conditions:
Metachromatic leukodystrophy (MLD). Also called: ARSA DEFICIENCY; CEREBROSIDE SULFATASE DEFICIENCY; SULFATIDE LIPIDOSIS; Arylsulfatase A Deficiency; Cerebral sclerosis diffuse metachromatic form; METACHROMATIC LEUKOENCEPHALOPATHY. Identifiers: Orphanet 512, MedGen C0023522, MONDO:0018868, OMIM 250100.

Allele frequency attached by ClinVar (database versions not stated): gnomAD exomes below 0.00001.

Submissions (6):

Institute of Human Genetics, University of Leipzig Medical Center
Classification: Likely pathogenic for Metachromatic leukodystrophy. Last evaluated: 2025-03-20. Review status: criteria provided, single submitter. Criteria: ACMG Guidelines, 2015. Collection method: clinical testing. Allele origin: unknown. Inheritance: Autosomal recessive inheritance. Affected: yes.
Comment: Criteria applied: PM2,PM3,PM5,PP3,PP4

Natera, Inc.
Classification: Likely pathogenic for Metachromatic leukodystrophy. Last evaluated: 2025-02-06. Review status: criteria provided, single submitter. Criteria: Natera Variant Classification Schema (03/2026). Collection method: clinical testing. Allele origin: germline.
Comment: The c.467G>A variant in ARSA is a missense variant predicted to cause substitution of glycine to aspartic acid at amino acid 156. This variant is rare in the general population with a frequency below the threshold expected for the associated phenotype(s). This variant has been observed in one or more individuals affected with the associated recessive disease, as either homozygous or compound heterozygous with a second variant (PMID: 31922587, 29966168, 28762252, 18693274, 7981715). Additionally, this variant has been observed to segregate in affected family members (PMID: 29966168). Functional studies show that this variant may disrupt protein function (PMID: 7981715). Computational prediction algorithms indicate this variant is likely to affect gene or protein function. Given the available evidence, this variant is classified as Likely Pathogenic.

Labcorp Genetics (formerly Invitae), Labcorp
Classification: Likely pathogenic for Metachromatic leukodystrophy. Last evaluated: 2022-12-20. Review status: criteria provided, single submitter. Criteria: Invitae Variant Classification Sherloc (09022015). Collection method: clinical testing. Allele origin: germline.
Comment: ClinVar contains an entry for this variant (Variation ID: 3066). This variant is also known as p.Gly154Asp. This missense change has been observed in individual(s) with metachromatic leukodystrophy (PMID: 31922587). In at least one individual the data is consistent with being in trans (on the opposite chromosome) from a pathogenic variant. This variant is not present in population databases (gnomAD no frequency). This sequence change replaces glycine, which is neutral and non-polar, with aspartic acid, which is acidic and polar, at codon 156 of the ARSA protein (p.Gly156Asp). Algorithms developed to predict the effect of missense changes on protein structure and function are either unavailable or do not agree on the potential impact of this missense change (SIFT: "Tolerated"; PolyPhen-2: "Probably Damaging"; Align-GVGD: "Class C0"). This variant disrupts the p.Gly156 amino acid residue in ARSA. Other variant(s) that disrupt this residue have been observed in individuals with ARSA-related conditions (PMID: 30057904), which suggests that this may be a clinically significant amino acid residue. In summary, the currently available evidence indicates that the variant is pathogenic, but additional data are needed to prove that conclusively. Therefore, this variant has been classified as Likely Pathogenic.

Fulgent Genetics
Classification: Likely pathogenic for Metachromatic leukodystrophy. Last evaluated: 2021-07-29. Review status: criteria provided, single submitter. Criteria: ACMG Guidelines, 2015. Collection method: clinical testing. Allele origin: unknown.

OMIM
Classification: Pathogenic for METACHROMATIC LEUKODYSTROPHY. Last evaluated: 1994-01-01. Review status: no assertion criteria provided. Collection method: literature only. Allele origin: germline. Not counted in ClinVar's aggregate classification.

Gelb Laboratory, University of Washington
No classification provided (evidence only). Condition: Metachromatic leukodystrophy. Review status: no classification provided. Collection method: in vitro. Allele origin: not applicable. Functional consequence: loss of function. Not counted in ClinVar's aggregate classification.

Literature cited by the submitters: PubMed 31922587 (cited by Natera, Inc. and Labcorp Genetics (formerly Invitae), Labcorp); PubMed 29966168 (cited by Natera, Inc.); PubMed 28762252 (cited by Natera, Inc.); PubMed 18693274 (cited by Natera, Inc.); PubMed 7981715 (cited by Natera, Inc. and OMIM); PubMed 30057904 (cited by Labcorp Genetics (formerly Invitae), Labcorp).